The following is an entry in ClinVar:

ClinVar aggregate classification (germline): Uncertain significance (1 of 4 stars; one submission).

Conditions:
Dworschak-Punetha neurodevelopmental syndrome (DWOPNED). Identifiers: MedGen C5677017, MONDO:0859260, OMIM 619955.

Submission:

Victorian Clinical Genetics Services, Murdoch Childrens Research Institute
Classification: Uncertain significance for Dworschak-Punetha neurodevelopmental syndrome. Last evaluated: 2024-10-11. Review status: criteria provided, single submitter. Criteria: ACMG Guidelines, 2015. Collection method: clinical testing. Allele origin: germline. Inheritance: Autosomal recessive inheritance. Affected: yes.
Comment: Based on the classification scheme VCGS_Germline_v1.3.5, this variant is classified as VUS-3A. Following criteria are met: 0102 - Loss of function is a known mechanism of disease in this gene and is associated with Dworschak-Punetha neurodevelopmental syndrome (MIM#619955). However, some monoallelic missense variants occur within affected individuals and have been suggested to have a dominant negative effect (PMID: 34054129). (I) 0108 - This gene is associated with both recessive and dominant disease (PMID: 34054129). (I) 0213 - In-frame indel in a non-repetitive region that has high conservation. (SP) 0251 - This variant is heterozygous. (I) 0301 - Variant is absent from gnomAD (v2, v3 and v4). (SP) 0600 - Variant is located in the annotated Plexin domain (DECIPHER). (I) 0705 - No comparable in-frame deletion variants have previous evidence for pathogenicity. (I) 0807 - This variant has no previous evidence of pathogenicity. (I) 0905 - No published segregation evidence has been identified for this variant. (I) 1007 - No published functional evidence has been identified for this variant. (I) 1201 - Heterozygous variant detected in trans with a likely pathogenic heterozygous variant (NM_032242.3(PLXNA1):c.4852A>T; p.(Lys1618*)) in a recessive disease. (I) Legend: (SP) - Supporting pathogenic, (I) - Information, (SB) - Supporting benign

Literature cited by the submitters: PubMed 34054129.

NM_032242.4(PLXNA1):c.2443_2454delinsCTG (p.Ser815_Gly817del)

Gene: PLXNA1 (plexin A1; plus strand). Cytogenetic location: 3q21.3.
Variant type: Indel.
Coding change: c.2443_2454delinsCTG on transcript NM_032242.4 (MANE Select); coding-DNA positions 2443 to 2454, AGCTGCGGCCTC replaced by CTG.
Protein change: p.Ser815_Gly817del.
Genome position (GRCh38, 1-based): chr3:127,014,214-127,014,225, AGCTGCGGCCTC replaced by CTG. VCF-style: chr3-127014214-AGCTGCGGCCTC-CTG. GRCh37 (hg19) VCF-style: chr3-126733057-AGCTGCGGCCTC-CTG.
Identifiers: ClinVar variation 3377062 (VCV003377062.1).